The following is an entry in ClinVar:

NM_002292.4(LAMB2):c.1572C>T (p.Cys524=)

Gene: LAMB2 (laminin subunit beta 2; minus strand). Cytogenetic location: 3p21.31.
Variant type: single nucleotide variant.
Coding change: c.1572C>T on transcript NM_002292.4 (MANE Select); coding-DNA position 1572, C replaced by T.
Protein change: p.Cys524=; no amino-acid change (cysteine 524 retained).
Molecular consequence: synonymous variant.
Genome position (GRCh38, 1-based): chr3:49,129,271, G>A on the plus strand (C>T on the coding strand, the complement: LAMB2 is on the minus strand). VCF-style: chr3-49129271-G-A. GRCh37 (hg19) VCF-style: chr3-49166704-G-A.
Identifiers: ClinVar variation 258598 (VCV000258598.23), dbSNP rs111883392, ClinGen allele CA2394557.

ClinVar aggregate classification (germline): Likely benign. Review status: criteria provided, multiple submitters, no conflicts (2 of 4 stars). 3 submissions from 3 submitters: Likely benign (3). Last evaluated 2025-12-30.

Conditions:
LAMB2-related infantile-onset nephrotic syndrome. Also called: Nephrotic Syndrome, type 5; NEPHROTIC SYNDROME, TYPE 5, WITHOUT OCULAR ABNORMALITIES; NEPHROTIC SYNDROME, TYPE 5, WITH OCULAR ABNORMALITIES. Identifiers: Orphanet 306507, MedGen C3280113, MONDO:0013621, OMIM 614199.
Pierson syndrome. Also called: MICROCORIA-CONGENITAL NEPHROTIC SYNDROME. Identifiers: Orphanet 2670, MedGen C1836876, MONDO:0012184, OMIM 609049.

Allele frequency attached by ClinVar (database versions not stated): ExAC 0.00001; gnomAD exomes 0.00001 and 0.00003; gnomAD 0.00004 and 0.00010; TOPMed 0.00006; 1000 Genomes Project 30x 0.00031; 1000 Genomes Project 0.00040.
gnomAD v4.1: 80 of 1,613,798 alleles (0.005%); highest among the groups gnomAD compares: Middle Eastern, 0.05%; 1 homozygote.

Submissions (3):

Labcorp Genetics (formerly Invitae), Labcorp
Classification: Likely benign for LAMB2-related infantile-onset nephrotic syndrome; Pierson syndrome. Last evaluated: 2025-12-30. Review status: criteria provided, single submitter. Criteria: Invitae Variant Classification Sherloc (09022015). Collection method: clinical testing. Allele origin: germline.

CeGaT Center for Human Genetics Tuebingen
Classification: Likely benign. Last evaluated: 2024-12-01. Review status: criteria provided, single submitter. Criteria: CeGaT Center For Human Genetics Tuebingen Variant Classification Criteria Version 2. Collection method: clinical testing. Allele origin: germline. Affected: yes. Observed: 1 variant allele.
Comment: LAMB2: BP4, BP7

PreventionGenetics, part of Exact Sciences
Classification: Likely benign. Review status: criteria provided, single submitter. Criteria: ACMG Guidelines, 2015. Collection method: clinical testing. Allele origin: germline.